The following is an entry in ClinVar:

NM_001042492.3(NF1):c.1771C>G (p.Leu591Val)

Gene: NF1 (neurofibromin 1; plus strand). Cytogenetic location: 17q11.2.
Variant type: single nucleotide variant.
Coding change: c.1771C>G on transcript NM_001042492.3 (MANE Select); coding-DNA position 1771, C replaced by G.
Protein change: p.Leu591Val; replaces leucine 591 with valine.
Molecular consequence: missense variant.
Genome position (GRCh38, 1-based): chr17:31,223,493, C>G. VCF-style: chr17-31223493-C-G. GRCh37 (hg19) VCF-style: chr17-29550511-C-G.
Other names: c.1771C>G, p.Leu591Val (NM_000267.4); short protein forms L591V.
Identifiers: ClinVar variation 404553 (VCV000404553.35), dbSNP rs767247726, ClinGen allele CA8485851.

ClinVar aggregate classification (germline): Conflicting classifications of pathogenicity. Review status: criteria provided, conflicting classifications (1 of 4 stars). 4 submissions from 4 submitters: Uncertain significance (3); Benign (1). Last evaluated 2024-11-03.

Conditions:
Juvenile myelomonocytic leukemia (JMML). Also called: LEUKEMIA, JUVENILE MYELOMONOCYTIC, SOMATIC. Identifiers: Orphanet 86834, MedGen C0349639, MONDO:0011908, OMIM 607785, HP:0012209.
Neurofibromatosis, type 1 (NF1). Also called: NEUROFIBROMATOSIS, TYPE I, SOMATIC; Peripheral type neurofibromatosis; Neurofibromatosis, type I; VON RECKLINGHAUSEN DISEASE. Identifiers: Orphanet 636, MedGen C0027831, MONDO:0018975, OMIM 162200. Disease mechanism: loss of function.
Hereditary cancer-predisposing syndrome. Also called: Neoplastic Syndromes, Hereditary; Hereditary neoplastic syndrome; Tumor predisposition; Hereditary Cancer Syndrome. Identifiers: Orphanet 140162, MedGen C0027672, MeSH D009386, MONDO:0015356.
Cardiovascular phenotype. Identifiers: MedGen CN230736.

Allele frequency attached by ClinVar (database versions not stated): gnomAD exomes below 0.00001; TOPMed below 0.00001; ExAC 0.00001.
gnomAD v4.1: 2 of 1,612,520 alleles (0.00012%); highest among the groups gnomAD compares: Non-Finnish European, 0.00017%; no homozygotes.

Submissions (4):

Labcorp Genetics (formerly Invitae), Labcorp
Classification: Benign for Neurofibromatosis, type 1. Last evaluated: 2024-11-03. Review status: criteria provided, single submitter. Criteria: Invitae Variant Classification Sherloc (09022015). Collection method: clinical testing. Allele origin: germline.

Baylor Genetics
Classification: Uncertain significance for Juvenile myelomonocytic leukemia. Last evaluated: 2023-08-29. Review status: criteria provided, single submitter. Criteria: ACMG Guidelines, 2015. Collection method: clinical testing. Allele origin: unknown.

CeGaT Center for Human Genetics Tuebingen
Classification: Uncertain significance. Last evaluated: 2022-05-01. Review status: criteria provided, single submitter. Criteria: CeGaT Center For Human Genetics Tuebingen Variant Classification Criteria Version 2. Collection method: clinical testing. Allele origin: germline. Affected: yes. Observed: 1 variant allele.

Ambry Genetics
Classification: Uncertain significance for Cardiovascular phenotype; Hereditary cancer-predisposing syndrome. Last evaluated: 2022-03-24. Review status: criteria provided, single submitter. Criteria: Ambry Variant Classification Scheme 2023. Collection method: clinical testing. Allele origin: germline.
Comment: The p.L591V variant (also known as c.1771C>G), located in coding exon 16 of the NF1 gene, results from a C to G substitution at nucleotide position 1771. The leucine at codon 591 is replaced by valine, an amino acid with highly similar properties. This amino acid position is well conserved in available vertebrate species. In addition, this alteration is predicted to be tolerated by in silico analysis. Since supporting evidence is limited at this time, the clinical significance of this alteration remains unclear.